The following is an entry in ClinVar:

NM_007325.5(GRIA3):c.664G>A (p.Glu222Lys)

Gene: GRIA3 (glutamate ionotropic receptor AMPA type subunit 3; plus strand). Cytogenetic location: Xq25.
Variant type: single nucleotide variant.
Coding change: c.664G>A on transcript NM_007325.5 (MANE Select); coding-DNA position 664, G replaced by A.
Protein change: p.Glu222Lys; replaces glutamic acid 222 with lysine.
Molecular consequence: missense variant.
Genome position (GRCh38, 1-based): chrX:123,326,181, G>A. VCF-style: chrX-123326181-G-A. GRCh37 (hg19) VCF-style: chrX-122460032-G-A.
Other names: c.664G>A, p.Glu222Lys (NM_000828.5); short protein forms E222K.
Identifiers: ClinVar variation 3022507 (VCV003022507.3), dbSNP rs778052374, ClinGen allele CA10506924.
Genomic context (GRCh38, chrX:123,326,181, plus strand): 5'-TTCAGGCGCATCATTGAAGAAATGGACAGGAGGCAGGAAAAGCGATACTTGATTGACTGC[G>A]AAGTCGAAAGGATTAACACAATTTTGGAACAGGTACGTTTGAGATTTATTTCACCGCCAG-3'
Protein context (NP_015564.5, residues 212-232): RQEKRYLIDC[Glu222Lys]VERINTILEQ

ClinVar aggregate classification (germline): Uncertain significance (1 of 4 stars; one submission).

Allele frequency attached by ClinVar (database versions not stated): ExAC 0.00001; gnomAD 0.00001; gnomAD exomes 0.00001; TOPMed 0.00002.
gnomAD v4.1: 10 of 1,207,351 alleles (0.00083%); highest among the groups gnomAD compares: African/African-American, 0.0018%; no homozygotes.

Submission:

Labcorp Genetics (formerly Invitae), Labcorp
Classification: Uncertain significance. Last evaluated: 2024-01-10. Review status: criteria provided, single submitter. Criteria: Invitae Variant Classification Sherloc (09022015). Collection method: clinical testing. Allele origin: germline.
Comment: This sequence change replaces glutamic acid, which is acidic and polar, with lysine, which is basic and polar, at codon 222 of the GRIA3 protein (p.Glu222Lys). This variant is present in population databases (rs778052374, gnomAD 0.008%). This variant has not been reported in the literature in individuals affected with GRIA3-related conditions. Advanced modeling of protein sequence and biophysical properties (such as structural, functional, and spatial information, amino acid conservation, physicochemical variation, residue mobility, and thermodynamic stability) performed at Invitae indicates that this missense variant is not expected to disrupt GRIA3 protein function with a negative predictive value of 80%. In summary, the available evidence is currently insufficient to determine the role of this variant in disease. Therefore, it has been classified as a Variant of Uncertain Significance.